The following is an entry in ClinVar:

ClinVar aggregate classification (germline): Uncertain significance (1 of 4 stars; one submission).

Conditions:
Brugada syndrome. Also called: Sudden unexplained nocturnal death syndrome; Sudden Unexplained Death Syndrome; Sudden Unexplained Nocturnal Death Syndrome (SUNDS); Sudden unexpected nocturnal death syndrome. Identifiers: Orphanet 130, MedGen C1142166, MONDO:0015263.

Submission:

Labcorp Genetics (formerly Invitae), Labcorp
Classification: Uncertain significance for Brugada syndrome. Last evaluated: 2019-02-15. Review status: criteria provided, single submitter. Criteria: Invitae Variant Classification Sherloc (09022015). Collection method: clinical testing. Allele origin: germline.
Comment: This sequence change replaces histidine with arginine at codon 60 of the GPD1L protein (p.His60Arg). The histidine residue is highly conserved and there is a small physicochemical difference between histidine and arginine. This variant is not present in population databases (ExAC no frequency). This variant has not been reported in the literature in individuals with GPD1L-related conditions. Algorithms developed to predict the effect of missense changes on protein structure and function are either unavailable or do not agree on the potential impact of this missense change (SIFT: "Deleterious"; PolyPhen-2: "Benign"; Align-GVGD: "Class C0"). In summary, the available evidence is currently insufficient to determine the role of this variant in disease. Therefore, it has been classified as a Variant of Uncertain Significance.

NM_015141.4(GPD1L):c.179A>G (p.His60Arg)

Gene: GPD1L (glycerol-3-phosphate dehydrogenase 1 like; plus strand). Cytogenetic location: 3p22.3.
Variant type: single nucleotide variant.
Coding change: c.179A>G on transcript NM_015141.4 (MANE Select); coding-DNA position 179, A replaced by G.
Protein change: p.His60Arg; replaces histidine 60 with arginine.
Molecular consequence: missense variant.
Genome position (GRCh38, 1-based): chr3:32,128,207, A>G. VCF-style: chr3-32128207-A-G. GRCh37 (hg19) VCF-style: chr3-32169699-A-G.
Other names: short protein forms H60R.
Identifiers: ClinVar variation 839422 (VCV000839422.1), dbSNP rs1700539904, ClinGen allele CA351973235.